The following is an entry in ClinVar:

NM_172250.3(MMAA):c.1114C>T (p.Gln372Ter)

Gene: MMAA (metabolism of cobalamin associated A; plus strand). Cytogenetic location: 4q31.21.
Variant type: single nucleotide variant.
Coding change: c.1114C>T on transcript NM_172250.3 (MANE Select); coding-DNA position 1114, C replaced by T.
Protein change: p.Gln372Ter; replaces glutamine 372 with a stop codon.
Molecular consequence: nonsense.
Genome position (GRCh38, 1-based): chr4:145,655,291, C>T. VCF-style: chr4-145655291-C-T. GRCh37 (hg19) VCF-style: chr4-146576443-C-T.
Other names: c.1114C>T, p.Gln372Ter (NM_001375644.1); c.1114C>T (NM_172250.2); short protein forms Q372*.
Identifiers: ClinVar variation 2780046 (VCV002780046.4), dbSNP rs2546345935, ClinGen allele CA358346151.

ClinVar aggregate classification (germline): Pathogenic/Likely pathogenic. Review status: criteria provided, multiple submitters, no conflicts (2 of 4 stars). 2 submissions from 2 submitters: Pathogenic (1); Likely pathogenic (1). Last evaluated 2024-05-23.

Conditions:
Methylmalonic aciduria, cblA type (MACA). Also called: Methylmalonic aciduria, vitamin B12-responsive; Methylmalonic aciduria, vitamin b12-responsive, due to defect in synthesis of adenosylcobalamin, cbla complementation type; MMA cbl A type; Methylmalonic acidemia cblA type; Vitamin B12-responsive methylmalonic acidemia type cblA. Identifiers: Orphanet 28, Orphanet 79310, MedGen C1855109, MONDO:0009613, OMIM 251100.

Submissions (2):

Natera, Inc.
Classification: Likely pathogenic for Methylmalonic aciduria cblA type. Last evaluated: 2024-05-23. Review status: criteria provided, single submitter. Criteria: Natera Variant Classification Schema (03/2026). Collection method: clinical testing. Allele origin: germline.
Comment: The c.1114C>T variant in MMAA is a nonsense variant predicted to introduce a stop codon at amino acid 372. This variant is expected to result in nonsense mediated decay, truncation, or a dysfunctional protein product. This variant is rare in the general population with a frequency below the threshold expected for the associated phenotype(s). Given the available evidence, this variant is classified as Likely Pathogenic.

Labcorp Genetics (formerly Invitae), Labcorp
Classification: Pathogenic for Methylmalonic aciduria, cblA type. Last evaluated: 2023-05-19. Review status: criteria provided, single submitter. Criteria: Invitae Variant Classification Sherloc (09022015). Collection method: clinical testing. Allele origin: germline.
Comment: For these reasons, this variant has been classified as Pathogenic. This variant disrupts a region of the MMAA protein in which other variant(s) (p.His382Profs*24) have been determined to be pathogenic (PMID: 33453710). This suggests that this is a clinically significant region of the protein, and that variants that disrupt it are likely to be disease-causing. This premature translational stop signal has been observed in individual(s) with methylmalonicacidemia cblA type (PMID: 32034731). In at least one individual the data is consistent with being in trans (on the opposite chromosome) from a pathogenic variant. This variant is not present in population databases (gnomAD no frequency). This sequence change creates a premature translational stop signal (p.Gln372*) in the MMAA gene. While this is not anticipated to result in nonsense mediated decay, it is expected to disrupt the last 47 amino acid(s) of the MMAA protein.

Literature cited by the submitters: PubMed 33453710 (cited by Labcorp Genetics (formerly Invitae), Labcorp); PubMed 32034731 (cited by Labcorp Genetics (formerly Invitae), Labcorp).